The following is an entry in ClinVar:

NM_003728.4(UNC5C):c.1812A>C (p.Pro604=)

Gene: UNC5C (unc-5 netrin receptor C; minus strand). Cytogenetic location: 4q22.3.
Variant type: single nucleotide variant.
Coding change: c.1812A>C on transcript NM_003728.4 (MANE Select); coding-DNA position 1812, A replaced by C.
Protein change: p.Pro604=; no amino-acid change (proline 604 retained).
Molecular consequence: synonymous variant.
Genome position (GRCh38, 1-based): chr4:95,206,718, T>G on the plus strand (A>C on the coding strand, the complement: UNC5C is on the minus strand). VCF-style: chr4-95206718-T-G. GRCh37 (hg19) VCF-style: chr4-96127869-T-G.
Identifiers: ClinVar variation 3059577 (VCV003059577.2), dbSNP rs2276322, ClinGen allele CA3015578.

ClinVar aggregate classification (germline): Benign (0 of 4 stars; one submission).

Conditions:
UNC5C-related disorder. Also called: UNC5C-related condition.

Allele frequency attached by ClinVar (database versions not stated): 1000 Genomes Project 0.52855; 1000 Genomes Project 30x 0.53201; TOPMed 0.60067; ESP Exome Variant Server 0.62909.
gnomAD v4.1: 1,032,432 of 1,613,604 alleles (64%); highest among the groups gnomAD compares: Middle Eastern, 74%; 336,629 homozygotes.

Submission:

PreventionGenetics, part of Exact Sciences
Classification: Benign for UNC5C-related condition. Last evaluated: 2019-10-17. Review status: no assertion criteria provided. Collection method: clinical testing. Allele origin: germline.
Comment: This variant is classified as benign based on ACMG/AMP sequence variant interpretation guidelines (Richards et al. 2015 PMID: 25741868, with internal and published modifications).